The following is an entry in ClinVar:

NM_016188.5(ACTL6B):c.633C>T (p.Ala211=)

Gene: ACTL6B (actin like 6B; minus strand). Cytogenetic location: 7q22.1.
Variant type: single nucleotide variant.
Coding change: c.633C>T on transcript NM_016188.5 (MANE Select); coding-DNA position 633, C replaced by T.
Protein change: p.Ala211=; no amino-acid change (alanine 211 retained).
Molecular consequence: synonymous variant. On other transcripts: non-coding transcript variant (1).
Genome position (GRCh38, 1-based): chr7:100,648,592, G>A on the plus strand (C>T on the coding strand, the complement: ACTL6B is on the minus strand). VCF-style: chr7-100648592-G-A. GRCh37 (hg19) VCF-style: chr7-100246215-G-A.
Identifiers: ClinVar variation 3234283 (VCV003234283.20), dbSNP rs368302187, ClinGen allele CA4387209.

ClinVar aggregate classification (germline): Likely benign (1 of 4 stars; one submission).

Allele frequency attached by ClinVar (database versions not stated): ESP Exome Variant Server 0.00008; ExAC 0.00014.
gnomAD v4.1: 136 of 1,612,334 alleles (0.0084%); highest among the groups gnomAD compares: Admixed American, 0.005%; 1 homozygote.

Submission:

CeGaT Center for Human Genetics Tuebingen
Classification: Likely benign. Last evaluated: 2024-04-01. Review status: criteria provided, single submitter. Criteria: CeGaT Center For Human Genetics Tuebingen Variant Classification Criteria Version 2. Collection method: clinical testing. Allele origin: germline. Affected: yes. Observed: 1 variant allele.
Comment: ACTL6B: BP4, BP7